The following is an entry in ClinVar:

ClinVar aggregate classification (germline): Likely benign (1 of 4 stars; one submission).

Conditions:
SCAPER-related disorder. Also called: SCAPER-related condition.

gnomAD v4.1: 48 of 1,609,712 alleles (0.003%); highest among the groups gnomAD compares: Middle Eastern, 0.016%; no homozygotes.

Submission:

PreventionGenetics, part of Exact Sciences
Classification: Likely benign for SCAPER-related condition. Last evaluated: 2025-06-05. Review status: criteria provided, single submitter. Criteria: ACMG Guidelines, 2015. Collection method: clinical testing. Allele origin: germline.
Comment: This variant is classified as likely benign based on ACMG/AMP sequence variant interpretation guidelines (Richards et al. 2015 PMID: 25741868, with internal and published modifications).

NM_020843.4(SCAPER):c.3315C>T (p.Tyr1105=)

Gene: SCAPER (S-phase cyclin A associated protein in the ER; minus strand). Cytogenetic location: 15q24.3.
Variant type: single nucleotide variant.
Coding change: c.3315C>T on transcript NM_020843.4 (MANE Select); coding-DNA position 3315, C replaced by T.
Protein change: p.Tyr1105=; no amino-acid change (tyrosine 1105 retained).
Molecular consequence: synonymous variant. On other transcripts: non-coding transcript variant (1).
Genome position (GRCh38, 1-based): chr15:76,404,676, G>A on the plus strand (C>T on the coding strand, the complement: SCAPER is on the minus strand). VCF-style: chr15-76404676-G-A. GRCh37 (hg19) VCF-style: chr15-76697017-G-A.
Other names: c.2577C>T, p.Tyr859= (NM_001145923.2); c.3333C>T, p.Tyr1111= (NM_001353009.2); c.2913C>T, p.Tyr971= (NM_001353010.2, NM_001353012.2); c.2931C>T, p.Tyr977= (NM_001353011.2).
Identifiers: ClinVar variation 4985618 (VCV004985618.1).
Genomic context (GRCh38, chr15:76,404,676, plus strand): 5'-TGGGCCTTGCACCGAGAGGAAGCAGGCACACAGTTTGTCAATCAGACCCATGTTCACCAC[G>A]TAGCTAGATATGGGGGAGAAATGCATGTTATCAATCTGAATAGGCCAGCAACATCTTCAC-3'
Protein context (NP_065894.2, residues 1095-1115): FNNRVQDLIS[Tyr1105=]VVNMGLIDKL